The following is an entry in ClinVar:

ClinVar aggregate classification (germline): Uncertain significance (1 of 4 stars; one submission).

Conditions:
Charcot-Marie-Tooth disease axonal type 2O. Also called: CHARCOT-MARIE-TOOTH NEUROPATHY, AXONAL, TYPE 2O; CHARCOT-MARIE-TOOTH DISEASE, AXONAL, AUTOSOMAL DOMINANT, TYPE 2O; Charcot-Marie-Tooth Neuropathy Type 2O; Charcot-Marie-Tooth disease, axonal, type 20. Identifiers: Orphanet 284232, MedGen C3280220, MONDO:0013644, OMIM 614228.

Submission:

Labcorp Genetics (formerly Invitae), Labcorp
Classification: Uncertain significance for Charcot-Marie-Tooth disease axonal type 2O. Last evaluated: 2022-11-10. Review status: criteria provided, single submitter. Criteria: Invitae Variant Classification Sherloc (09022015). Collection method: clinical testing. Allele origin: germline.
Comment: This variant has not been reported in the literature in individuals affected with DYNC1H1-related conditions. In summary, the available evidence is currently insufficient to determine the role of this variant in disease. Therefore, it has been classified as a Variant of Uncertain Significance. Advanced modeling of protein sequence and biophysical properties (such as structural, functional, and spatial information, amino acid conservation, physicochemical variation, residue mobility, and thermodynamic stability) performed at Invitae indicates that this missense variant is not expected to disrupt DYNC1H1 protein function. This variant is not present in population databases (gnomAD no frequency). This sequence change replaces valine, which is neutral and non-polar, with isoleucine, which is neutral and non-polar, at codon 958 of the DYNC1H1 protein (p.Val958Ile).

NM_001376.5(DYNC1H1):c.2872G>A (p.Val958Ile)

Gene: DYNC1H1 (dynein cytoplasmic 1 heavy chain 1; plus strand). Cytogenetic location: 14q32.31.
Variant type: single nucleotide variant.
Coding change: c.2872G>A on transcript NM_001376.5 (MANE Select); coding-DNA position 2872, G replaced by A.
Protein change: p.Val958Ile; replaces valine 958 with isoleucine.
Molecular consequence: missense variant.
Genome position (GRCh38, 1-based): chr14:101,991,530, G>A. VCF-style: chr14-101991530-G-A. GRCh37 (hg19) VCF-style: chr14-102457867-G-A.
Other names: short protein forms V958I.
Identifiers: ClinVar variation 2813328 (VCV002813328.3), dbSNP rs2503708126, ClinGen allele CA391030113.